The following is an entry in ClinVar:

ClinVar aggregate classification (germline): Likely benign (1 of 4 stars; one submission).

Allele frequency attached by ClinVar (database versions not stated): ESP Exome Variant Server 0.00162; gnomAD 0.00239; gnomAD exomes 0.00260; ExAC 0.00266; TOPMed 0.00267; 1000 Genomes Project 30x 0.00312; 1000 Genomes Project 0.00339.
gnomAD v4.1: 4,320 of 1,612,076 alleles (0.27%); highest among the groups gnomAD compares: Middle Eastern, 3.4%; 29 homozygotes.

Submission:

CeGaT Center for Human Genetics Tuebingen
Classification: Likely benign. Last evaluated: 2023-03-01. Review status: criteria provided, single submitter. Criteria: CeGaT Center For Human Genetics Tuebingen Variant Classification Criteria Version 2. Collection method: clinical testing. Allele origin: germline. Affected: yes. Observed: 1 variant allele.
Comment: RANBP17: BS2

NM_022897.5(RANBP17):c.692T>C (p.Ile231Thr)

Gene: RANBP17 (RAN binding protein 17; plus strand). Cytogenetic location: 5q35.1.
Variant type: single nucleotide variant.
Coding change: c.692T>C on transcript NM_022897.5 (MANE Select); coding-DNA position 692, T replaced by C.
Protein change: p.Ile231Thr; replaces isoleucine 231 with threonine.
Molecular consequence: missense variant.
Genome position (GRCh38, 1-based): chr5:170,911,066, T>C. VCF-style: chr5-170911066-T-C. GRCh37 (hg19) VCF-style: chr5-170338070-T-C.
Other names: short protein forms I231T.
Identifiers: ClinVar variation 2656072 (VCV002656072.24), dbSNP rs139981430, ClinGen allele CA3557198.
Genomic context (GRCh38, chr5:170,911,066, plus strand): 5'-AGCAAAATCTGGTAATGCAGGTCTTGAAACTGGTCCTTAACTGCCTTAACTTTGACTTCA[T>C]TGGCAGTTCAGCAGATGAATCTGCAGATGATCTTTGCACGGTGCAGATTCCAACAACTTG-3'
Protein context (NP_075048.1, residues 221-241): LVLNCLNFDF[Ile231Thr]GSSADESADD